The following is an entry in ClinVar:

ClinVar aggregate classification (germline): Uncertain significance (1 of 4 stars; one submission).

Conditions:
Acrocallosal syndrome (ACLS). Also called: HALLUX DUPLICATION, POSTAXIAL POLYDACTYLY, AND ABSENCE OF CORPUS CALLOSUM; Schinzel syndrome 1; Absence of corpus callosum with unusual facial appearance, mental deficiency, duplication of the halluces and polydactyly. Identifiers: Orphanet 36, MedGen C0796147, MONDO:0008708, OMIM 200990.

Allele frequency attached by ClinVar (database versions not stated): TOPMed below 0.00001; ExAC 0.00001; gnomAD exomes 0.00001; ESP Exome Variant Server 0.00008.

Submission:

Labcorp Genetics (formerly Invitae), Labcorp
Classification: Uncertain significance for Acrocallosal syndrome. Last evaluated: 2022-05-31. Review status: criteria provided, single submitter. Criteria: Invitae Variant Classification Sherloc (09022015). Collection method: clinical testing. Allele origin: germline.
Comment: This variant is present in population databases (rs140710600, gnomAD 0.006%). In summary, the available evidence is currently insufficient to determine the role of this variant in disease. Therefore, it has been classified as a Variant of Uncertain Significance. Algorithms developed to predict the effect of missense changes on protein structure and function are either unavailable or do not agree on the potential impact of this missense change (SIFT: "Deleterious"; PolyPhen-2: "Benign"; Align-GVGD: "Class C0"). This variant has not been reported in the literature in individuals affected with KIF7-related conditions. This sequence change replaces methionine, which is neutral and non-polar, with threonine, which is neutral and polar, at codon 1201 of the KIF7 protein (p.Met1201Thr).

NM_198525.3(KIF7):c.3602T>C (p.Met1201Thr)

Genes: KIF7 (kinesin family member 7; minus strand), LOC126862216 (BRD4-independent group 4 enhancer GRCh37_chr15:90171995-90173194; plus strand). Cytogenetic location: 15q26.1.
Variant type: single nucleotide variant.
Coding change: c.3602T>C on transcript NM_198525.3 (MANE Select); coding-DNA position 3602, T replaced by C.
Protein change: p.Met1201Thr; replaces methionine 1201 with threonine.
Molecular consequence: missense variant.
Genome position (GRCh38, 1-based): chr15:89,629,038, A>G on the plus strand (T>C on the coding strand, the complement: KIF7 is on the minus strand). VCF-style: chr15-89629038-A-G. GRCh37 (hg19) VCF-style: chr15-90172269-A-G.
Other names: short protein forms M1201T.
Identifiers: ClinVar variation 1958390 (VCV001958390.4), dbSNP rs140710600, ClinGen allele CA7727619.